The following is an entry in ClinVar:

ClinVar aggregate classification (germline): Likely pathogenic (1 of 4 stars; one submission).

Conditions:
Cystic fibrosis (CF). Also called: MUCOVISCIDOSIS. Identifiers: Orphanet 586, MedGen C0010674, MONDO:0009061, OMIM 219700. Disease mechanism: loss of function.

Submission:

Labcorp Genetics (formerly Invitae), Labcorp
Classification: Likely pathogenic for Cystic fibrosis. Last evaluated: 2021-08-12. Review status: criteria provided, single submitter. Criteria: Invitae Variant Classification Sherloc (09022015). Collection method: clinical testing. Allele origin: germline.
Comment: This variant is a gross deletion of the genomic region encompassing exon(s) 11 of the CFTR gene. This variant would be expected to be in-frame, preserving the integrity of the reading frame. A similar copy number variant has been observed in individual(s) with cystic fibrosis (PMID: 26708955). This variant disrupts the p.Leu467 amino acid residue in CFTR. Other variant(s) that disrupt this residue have been determined to be pathogenic (PMID: 20510657, 23891399, 23974870, 26708955). This suggests that this residue is clinically significant, and that variants that disrupt this residue are likely to be disease-causing. In summary, the currently available evidence indicates that the variant is pathogenic, but additional data are needed to prove that conclusively. Therefore, this variant has been classified as Likely Pathogenic.

Literature cited by the submitters: PubMed 26708955; PubMed 20510657; PubMed 23891399; PubMed 23974870.

NC_000007.13:g.(?_117199476)_(117199720_?)del

Gene: CFTR (CF transmembrane conductance regulator; plus strand). Cytogenetic location: 7q31.2.
Variant type: Deletion.
Identifiers: ClinVar variation 1498226 (VCV001498226.5).